The following is an entry in ClinVar:

ClinVar aggregate classification (germline): Uncertain significance (1 of 4 stars; one submission).

Conditions:
Danon disease. Also called: ANTOPOL DISEASE; PSEUDOGLYCOGENOSIS II; GSD IIb; LYSOSOMAL GLYCOGEN STORAGE DISEASE WITHOUT ACID MALTASE DEFICIENCY; Glycogen Storage Disease Type IIb. Identifiers: Orphanet 34587, MedGen C0878677, MONDO:0010281, OMIM 300257.

Submission:

Labcorp Genetics (formerly Invitae), Labcorp
Classification: Uncertain significance for Danon disease. Last evaluated: 2024-01-15. Review status: criteria provided, single submitter. Criteria: Invitae Variant Classification Sherloc (09022015). Collection method: clinical testing. Allele origin: unknown.
Comment: This variant results in a copy number gain of the genomic region encompassing exon(s) 8-9 of the LAMP2 gene. This region includes the termination codon of the gene. This copy number gain extends beyond the assayed region for this gene and therefore may encompass additional genes. As the precise location of this event is unknown, it may be in tandem or it may be located elsewhere in the genome. This variant has not been reported in the literature in individuals affected with LAMP2-related conditions. In summary, the available evidence is currently insufficient to determine the role of this variant in disease. Therefore, it has been classified as a Variant of Uncertain Significance.

NC_000023.10:g.(?_119565178)_(119575769_?)dup

Gene: LAMP2 (lysosome associated membrane protein 2; minus strand). Cytogenetic location: Xq24.
Variant type: Duplication.
Identifiers: ClinVar variation 3244105 (VCV003244105.1).